The following is an entry in ClinVar:

ClinVar aggregate classification (germline): Pathogenic/Likely pathogenic. Review status: criteria provided, multiple submitters, no conflicts (2 of 4 stars). 3 submissions from 3 submitters: Pathogenic (2); Likely pathogenic (1). Last evaluated 2025-08-23.

Conditions:
Myopathy, proximal, and ophthalmoplegia (CMYO6). Also called: MYOPATHY WITH CONGENITAL JOINT CONTRACTURES, OPHTHALMOPLEGIA, AND RIMMED VACUOLES; CONGENITAL MYOPATHY 6 WITH OPHTHALMOPLEGIA; INCLUSION BODY MYOPATHY 3, AUTOSOMAL DOMINANT. Identifiers: Orphanet 363677, Orphanet 79091, MedGen C1854106, MONDO:0011577, OMIM 605637.
MYH2-related disorder. Also called: MYH2-related condition.

Allele frequency attached by ClinVar (database versions not stated): gnomAD 0.00001; TOPMed 0.00001.
gnomAD v4.1: 11 of 1,613,902 alleles (0.00068%); highest among the groups gnomAD compares: Non-Finnish European, 0.00093%; no homozygotes.

Submissions (3):

Labcorp Genetics (formerly Invitae), Labcorp
Classification: Pathogenic for Myopathy, proximal, and ophthalmoplegia. Last evaluated: 2025-08-23. Review status: criteria provided, single submitter. Criteria: Invitae Variant Classification Sherloc (09022015). Collection method: clinical testing. Allele origin: germline.
Comment: This sequence change creates a premature translational stop signal (p.Glu1007*) in the MYH2 gene. It is expected to result in an absent or disrupted protein product. Loss-of-function variants in MYH2 are known to be pathogenic (PMID: 20418530, 23388406, 24193343). This variant is present in population databases (no rsID available, gnomAD 0.0009%). This variant has not been reported in the literature in individuals affected with MYH2-related conditions. ClinVar contains an entry for this variant (Variation ID: 1323305). For these reasons, this variant has been classified as Pathogenic.

Blueprint Genetics
Classification: Likely pathogenic for MYH2-related disorders. Last evaluated: 2020-05-26. Review status: criteria provided, single submitter. Criteria: ACMG Guidelines, 2015. Collection method: clinical testing. Allele origin: germline. Affected: yes. Observed: 1 variant allele.

Revvity Omics, Revvity
Classification: Pathogenic for Myopathy, proximal, and ophthalmoplegia. Last evaluated: 2019-03-04. Review status: criteria provided, single submitter. Criteria: ACMG Guidelines, 2015. Collection method: clinical testing. Allele origin: germline.

Literature cited by the submitters: PubMed 20418530 (cited by Labcorp Genetics (formerly Invitae), Labcorp); PubMed 23388406 (cited by Labcorp Genetics (formerly Invitae), Labcorp); PubMed 24193343 (cited by Labcorp Genetics (formerly Invitae), Labcorp).

NM_017534.6(MYH2):c.3019G>T (p.Glu1007Ter)

Genes: MYH2 (myosin heavy chain 2; minus strand), MYHAS (myosin heavy chain gene cluster antisense RNA; plus strand). Cytogenetic location: 17p13.1.
Variant type: single nucleotide variant.
Coding change: c.3019G>T on transcript NM_017534.6 (MANE Select); coding-DNA position 3019, G replaced by T.
Protein change: p.Glu1007Ter; replaces glutamic acid 1007 with a stop codon.
Molecular consequence: nonsense.
Genome position (GRCh38, 1-based): chr17:10,529,662, C>A on the plus strand (G>T on the coding strand, the complement: MYH2 is on the minus strand). VCF-style: chr17-10529662-C-A. GRCh37 (hg19) VCF-style: chr17-10432979-C-A.
Other names: c.3019G>T, p.Glu1007Ter (NM_001100112.2); short protein forms E1007*.
Identifiers: ClinVar variation 1323305 (VCV001323305.10), dbSNP rs1226690028, ClinGen allele CA398140330.